The following is an entry in ClinVar:

ClinVar aggregate classification (germline): Uncertain significance. Review status: criteria provided, multiple submitters, no conflicts (2 of 4 stars). 3 submissions from 3 submitters: Uncertain significance (3). Last evaluated 2025-03-03.

Conditions:
Hereditary nonpolyposis colorectal neoplasms. Identifiers: MedGen C0009405, MeSH D003123.
Hereditary cancer-predisposing syndrome. Also called: Hereditary neoplastic syndrome; Neoplastic Syndromes, Hereditary; Tumor predisposition; Hereditary Cancer Syndrome. Identifiers: Orphanet 140162, MedGen C0027672, MeSH D009386, MONDO:0015356.
Lynch syndrome. Identifiers: Orphanet 144, MedGen C4552100, MONDO:0005835. Disease mechanism: loss of function.

Submissions (3):

Ambry Genetics
Classification: Uncertain significance for Hereditary cancer-predisposing syndrome. Last evaluated: 2025-03-03. Review status: criteria provided, single submitter. Criteria: Ambry Variant Classification Scheme 2023. Collection method: clinical testing. Allele origin: germline.
Comment: The p.L72V variant (also known as c.214C>G), located in coding exon 1 of the MSH6 gene, results from a C to G substitution at nucleotide position 214. The leucine at codon 72 is replaced by valine, an amino acid with highly similar properties. This amino acid position is well conserved in available vertebrate species. In addition, this alteration is predicted to be tolerated by in silico analysis. Based on the available evidence, the clinical significance of this variant remains unclear.

All of Us Research Program, National Institutes of Health
Classification: Uncertain significance for Lynch syndrome. Last evaluated: 2024-04-16. Review status: criteria provided, single submitter. Criteria: ACMG Guidelines, 2015. Collection method: clinical testing. Allele origin: germline. Inheritance: Autosomal dominant inheritance. Observed: 1 variant allele, 1 heterozygote.
Comment: This missense variant replaces leucine with valine at codon 72 of the MSH6 protein. Computational prediction suggests that this variant may not impact protein structure and function (internally defined REVEL score threshold <= 0.5, PMID: 27666373). To our knowledge, functional studies have not been reported for this variant. This variant has not been reported in individuals affected with MSH6-related disorders in the literature. This variant has not been identified in the general population by the Genome Aggregation Database (gnomAD). The available evidence is insufficient to determine the role of this variant in disease conclusively. Therefore, this variant is classified as a Variant of Uncertain Significance.

This study involves interpretation of variants in research participants for the purpose of population health screening. Participant phenotype was not available at the time of variant classification. Additional details can be found in publication PMID: 35346344, PMCID: PMC8962531

Labcorp Genetics (formerly Invitae), Labcorp
Classification: Uncertain significance for Hereditary nonpolyposis colorectal neoplasms. Last evaluated: 2024-03-23. Review status: criteria provided, single submitter. Criteria: Invitae Variant Classification Sherloc (09022015). Collection method: clinical testing. Allele origin: germline.
Comment: This sequence change replaces leucine, which is neutral and non-polar, with valine, which is neutral and non-polar, at codon 72 of the MSH6 protein (p.Leu72Val). This variant is not present in population databases (gnomAD no frequency). This variant has not been reported in the literature in individuals affected with MSH6-related conditions. ClinVar contains an entry for this variant (Variation ID: 185075). Advanced modeling of protein sequence and biophysical properties (such as structural, functional, and spatial information, amino acid conservation, physicochemical variation, residue mobility, and thermodynamic stability) performed at Invitae indicates that this missense variant is not expected to disrupt MSH6 protein function with a negative predictive value of 95%. In summary, the available evidence is currently insufficient to determine the role of this variant in disease. Therefore, it has been classified as a Variant of Uncertain Significance.

NM_000179.3(MSH6):c.214C>G (p.Leu72Val)

Gene: MSH6 (mutS homolog 6; plus strand). Cytogenetic location: 2p16.3.
Variant type: single nucleotide variant.
Coding change: c.214C>G on transcript NM_000179.3 (MANE Select); coding-DNA position 214, C replaced by G.
Protein change: p.Leu72Val; replaces leucine 72 with valine.
Molecular consequence: missense variant. On other transcripts: 5 prime UTR variant (1).
Genome position (GRCh38, 1-based): chr2:47,783,447, C>G. VCF-style: chr2-47783447-C-G. GRCh37 (hg19) VCF-style: chr2-48010586-C-G.
Other names: c.214C>G, p.Leu72Val (NM_001281492.2); c.-523C>G (NM_001281493.2); short protein forms L72V.
Identifiers: ClinVar variation 185075 (VCV000185075.17), dbSNP rs786201910, ClinGen allele CA009760.